The following is an entry in ClinVar:

ClinVar aggregate classification (germline): Uncertain significance (1 of 4 stars; one submission).

Conditions:
Autosomal dominant nonsyndromic hearing loss 7. Also called: Deafness, autosomal dominant 7. Identifiers: Orphanet 90635, MedGen C1832379, MONDO:0011074, OMIM 601412.

gnomAD v4.1: 4 of 1,614,080 alleles (0.00025%); highest among the groups gnomAD compares: Admixed American, 0.0017%; no homozygotes.

Submission:

Juno Genomics, Hangzhou Juno Genomics, Inc
Classification: Uncertain significance for Autosomal dominant nonsyndromic hearing loss 7. Review status: criteria provided, single submitter. Criteria: ACMG Guidelines, 2015. Collection method: clinical testing. Allele origin: germline.
Comment: Absent from controls (or at extremely low frequency if recessive) in Genome Aggregation Database.

NM_177398.4(LMX1A):c.295G>C (p.Glu99Gln)

Gene: LMX1A (LIM homeobox transcription factor 1 alpha; minus strand). Cytogenetic location: 1q23.3.
Variant type: single nucleotide variant.
Coding change: c.295G>C on transcript NM_177398.4 (MANE Select); coding-DNA position 295, G replaced by C.
Protein change: p.Glu99Gln; replaces glutamic acid 99 with glutamine.
Molecular consequence: missense variant.
Genome position (GRCh38, 1-based): chr1:165,249,609, C>G on the plus strand (G>C on the coding strand, the complement: LMX1A is on the minus strand). VCF-style: chr1-165249609-C-G. GRCh37 (hg19) VCF-style: chr1-165218846-C-G.
Other names: c.295G>C, p.Glu99Gln (NM_001174069.2); short protein forms E99Q.
Identifiers: ClinVar variation 5018962 (VCV005018962.2).